The following is an entry in ClinVar:

NM_000021.4(PSEN1):c.*3823G>A

Gene: PSEN1 (presenilin 1; plus strand). Cytogenetic location: 14q24.2.
Variant type: single nucleotide variant.
Coding change: c.*3823G>A on transcript NM_000021.4 (MANE Select); 3823 bases downstream of the stop codon, G replaced by A.
Molecular consequence: 3 prime UTR variant.
Genome position (GRCh38, 1-based): chr14:73,223,112, G>A. VCF-style: chr14-73223112-G-A. GRCh37 (hg19) VCF-style: chr14-73689820-G-A.
Other names: c.*3823G>A (NM_007318.3).
Identifiers: ClinVar variation 314001 (VCV000314001.5), dbSNP rs362394, ClinGen allele CA10640774.

ClinVar aggregate classification (germline): Benign/Likely benign. Review status: criteria provided, single submitter (1 of 4 stars). 2 submissions from 1 submitter: Benign (1); Likely benign (1). Last evaluated 2018-01-13.

Conditions:
Alzheimer disease 3 (AD3). Also called: ALZHEIMER DISEASE, FAMILIAL, 3. Identifiers: Orphanet 1020, MedGen C1843013, MONDO:0011913, OMIM 607822.
Dilated cardiomyopathy 1U. Identifiers: Orphanet 154, MedGen C3160720, MONDO:0013371, OMIM 613694.

Allele frequency attached by ClinVar (database versions not stated): gnomAD 0.01499 and 0.01595; TOPMed 0.01703; 1000 Genomes Project 0.02256; 1000 Genomes Project 30x 0.02374.

Submissions (2):

Illumina Laboratory Services, Illumina
Classification: Benign for Alzheimer disease 3. Last evaluated: 2018-01-13. Review status: criteria provided, single submitter. Criteria: ICSL Variant Classification Criteria 13 December 2019. Collection method: clinical testing. Allele origin: germline.
Comment: This variant was observed in the ICSL laboratory as part of a predisposition screen in an ostensibly healthy population. It had not been previously curated by ICSL or reported in the Human Gene Mutation Database (HGMD: prior to June 1st, 2018), and was therefore a candidate for classification through an automated scoring system. Utilizing variant allele frequency, disease prevalence and penetrance estimates, and inheritance mode, an automated score was calculated to assess if this variant is too frequent to cause the disease. Based on the score and internal cut-off values, a variant classified as benign is not then subjected to further curation. The score for this variant resulted in a classification of benign for this disease.

Illumina Laboratory Services, Illumina
Classification: Likely benign for Dilated cardiomyopathy 1U. Last evaluated: 2018-01-13. Review status: criteria provided, single submitter. Criteria: ICSL Variant Classification Criteria 13 December 2019. Collection method: clinical testing. Allele origin: germline.
Comment: This variant was observed in the ICSL laboratory as part of a predisposition screen in an ostensibly healthy population. It had not been previously curated by ICSL or reported in the Human Gene Mutation Database (HGMD: prior to June 1st, 2018), and was therefore a candidate for classification through an automated scoring system. Utilizing variant allele frequency, disease prevalence and penetrance estimates, and inheritance mode, an automated score was calculated to assess if this variant is too frequent to cause the disease. Based on the score and internal cut-off values, a variant classified as likely benign is not then subjected to further curation. The score for this variant resulted in a classification of likely benign for this disease.